The following is an entry in ClinVar:

NM_000334.4(SCN4A):c.3774+20A>G

Genes: GH-LCR (growth hormone locus control region; plus strand), SCN4A (sodium voltage-gated channel alpha subunit 4; minus strand). Cytogenetic location: 17q23.3.
Variant type: single nucleotide variant.
Coding change: c.3774+20A>G on transcript NM_000334.4 (MANE Select); 20 bases into the intron after coding-DNA position 3774, A replaced by G.
Molecular consequence: intron variant.
Genome position (GRCh38, 1-based): chr17:63,944,987, T>C on the plus strand (A>G on the coding strand, the complement: SCN4A is on the minus strand). VCF-style: chr17-63944987-T-C. GRCh37 (hg19) VCF-style: chr17-62022347-T-C.
Identifiers: ClinVar variation 423961 (VCV000423961.11), dbSNP rs377552760, ClinGen allele CA8709163.

ClinVar aggregate classification (germline): Conflicting classifications of pathogenicity. Review status: criteria provided, conflicting classifications (1 of 4 stars). 3 submissions from 3 submitters: Uncertain significance (1); Likely benign (2). Last evaluated 2025-12-26.

Conditions:
Hypokalemic periodic paralysis, type 2 (HOKPP2). Identifiers: Orphanet 681, MedGen C2750061, MONDO:0013234, OMIM 613345.
Hyperkalemic periodic paralysis. Also called: Familial hyperkalemic periodic paralysis; Gamstorp disease. Identifiers: Orphanet 682, MedGen C0238357, MONDO:0008224, OMIM 170500, HP:0007215.
Potassium-aggravated myotonia. Also called: MYOTONIA CONGENITA, ACETAZOLAMIDE-RESPONSIVE; MYOTONIA CONGENITA, ATYPICAL; SODIUM CHANNEL MUSCLE DISEASE; Myotonia congenita, atypical, acetazolamide-responsive. Identifiers: Orphanet 612, Orphanet 99734, Orphanet 99735, Orphanet 99736, MedGen C2931826, MONDO:0018959, OMIM 608390.
Congenital myasthenic syndrome 16. Identifiers: Orphanet 590, MedGen C3280112, MONDO:0013620, OMIM 614198.
Paramyotonia congenita of Von Eulenburg. Also called: Paramyotonia Congenita; Eulenburg disease; Myotonia congenita intermittens; Von Eulenburg paramyotonia congenita; PARALYSIS PERIODICA PARAMYOTONICA. Identifiers: Orphanet 684, MedGen C0221055, MONDO:0008195, OMIM 168300. Disease mechanism: loss of function.
Congenital myopathy 22A, classic (CMYO22A). Identifiers: MedGen C5830453, MONDO:0957247, OMIM 620351.
Congenital myopathy 22B, severe fetal (CMYO22B). Identifiers: MedGen C5830501, MONDO:0957265, OMIM 620369.

Allele frequency attached by ClinVar (database versions not stated): gnomAD 0.00011 and 0.00013; ExAC 0.00014; gnomAD exomes 0.00010; TOPMed 0.00012; ESP Exome Variant Server 0.00031.
gnomAD v4.1: 178 of 1,612,800 alleles (0.011%); highest among the groups gnomAD compares: Admixed American, 0.02%; no homozygotes.

Submissions (3):

Labcorp Genetics (formerly Invitae), Labcorp
Classification: Likely benign for Hyperkalemic periodic paralysis. Last evaluated: 2025-12-26. Review status: criteria provided, single submitter. Criteria: Invitae Variant Classification Sherloc (09022015). Collection method: clinical testing. Allele origin: germline.

Fulgent Genetics
Classification: Likely benign for Paramyotonia congenita of Von Eulenburg; Hyperkalemic periodic paralysis; Potassium-aggravated myotonia; Hypokalemic periodic paralysis, type 2; Congenital myasthenic syndrome 16; Congenital myopathy 22A, classic; Congenital myopathy 22B, severe fetal. Last evaluated: 2024-03-25. Review status: criteria provided, single submitter. Criteria: ACMG Guidelines, 2015. Collection method: clinical testing. Allele origin: germline.

GeneDx
Classification: Uncertain significance. Last evaluated: 2017-03-03. Review status: criteria provided, single submitter. Criteria: GeneDx Variant Classification (06012015). Collection method: clinical testing. Allele origin: germline. Affected: yes.
Comment: A variant of uncertain significance has been identified in the SCN4A gene. The c.3774+20 A>G variant has not been published as a pathogenic variant, nor has it been reported as a benign variant to our knowledge.The c.3774+20 A>G variant is observed in 5/11200 (0.05%) alleles from individuals of Latino background, in the ExAC dataset (Lek et al., 2016; 1000 Genomes Consortium et al., 2015; Exome Variant Server). This substitution occurs at a position that is not conserved. Several in-silico splice prediction models predict that c.3774+20 A>G may create a cryptic donor site downstream of the natural donor site and lead to abnormal gene splicing. However, in the absence of RNA/functional studies, the actual effect of this sequence change in this individual is unknown. Therefore, based on the currently available information, it is unclear whether this variant is a pathogenic variant or a rare benign variant.